The following is an entry in ClinVar:

NM_000553.6(WRN):c.2306T>C (p.Ile769Thr)

Gene: WRN (WRN RecQ like helicase; plus strand). Cytogenetic location: 8p12.
Variant type: single nucleotide variant.
Coding change: c.2306T>C on transcript NM_000553.6 (MANE Select); coding-DNA position 2306, T replaced by C.
Protein change: p.Ile769Thr; replaces isoleucine 769 with threonine.
Molecular consequence: missense variant.
Genome position (GRCh38, 1-based): chr8:31,116,386, T>C. VCF-style: chr8-31116386-T-C. GRCh37 (hg19) VCF-style: chr8-30973902-T-C.
Other names: short protein forms I769T.
Identifiers: ClinVar variation 1005157 (VCV001005157.5), dbSNP rs1801519052, ClinGen allele CA370913448.

ClinVar aggregate classification (germline): Uncertain significance (1 of 4 stars; one submission).

Conditions:
Werner syndrome (WRN). Identifiers: Orphanet 902, MedGen C0043119, MONDO:0010196, OMIM 277700.

Submission:

Labcorp Genetics (formerly Invitae), Labcorp
Classification: Uncertain significance for Werner syndrome. Last evaluated: 2024-02-17. Review status: criteria provided, single submitter. Criteria: Invitae Variant Classification Sherloc (09022015). Collection method: clinical testing. Allele origin: germline.
Comment: This sequence change replaces isoleucine, which is neutral and non-polar, with threonine, which is neutral and polar, at codon 769 of the WRN protein (p.Ile769Thr). This variant is not present in population databases (gnomAD no frequency). This variant has not been reported in the literature in individuals affected with WRN-related conditions. ClinVar contains an entry for this variant (Variation ID: 1005157). An algorithm developed to predict the effect of missense changes on protein structure and function (PolyPhen-2) suggests that this variant is likely to be disruptive. In summary, the available evidence is currently insufficient to determine the role of this variant in disease. Therefore, it has been classified as a Variant of Uncertain Significance.